The following is an entry in ClinVar:

NM_014795.4(ZEB2):c.2866C>T (p.Gln956Ter)

Gene: ZEB2 (zinc finger E-box binding homeobox 2; minus strand). Cytogenetic location: 2q22.3.
Variant type: single nucleotide variant.
Coding change: c.2866C>T on transcript NM_014795.4 (MANE Select); coding-DNA position 2866, C replaced by T.
Protein change: p.Gln956Ter; replaces glutamine 956 with a stop codon.
Molecular consequence: nonsense.
Genome position (GRCh38, 1-based): chr2:144,398,321, G>A on the plus strand (C>T on the coding strand, the complement: ZEB2 is on the minus strand). VCF-style: chr2-144398321-G-A. GRCh37 (hg19) VCF-style: chr2-145155888-G-A.
Other names: c.2794C>T, p.Gln932Ter (NM_001171653.2); short protein forms Q932*, Q956*.
Identifiers: ClinVar variation 1709922 (VCV001709922.2), dbSNP rs2549105623, ClinGen allele CA348706553.

ClinVar aggregate classification (germline): Likely pathogenic (1 of 4 stars; one submission).

Conditions:
Mowat-Wilson syndrome (MOWS). Also called: Classic Mowat-Wilson Syndrome. Identifiers: Orphanet 2152, MedGen C1856113, MONDO:0009341, OMIM 235730.

Submission:

MGZ Medical Genetics Center
Classification: Likely pathogenic for Mowat-Wilson syndrome. Last evaluated: 2021-10-14. Review status: criteria provided, single submitter. Criteria: ACMG Guidelines, 2015. Collection method: clinical testing. Allele origin: germline. Affected: yes. Observed: 1 variant allele.
Comment: ACMG criteria applied: PVS1, PM2_SUP